The following is an entry in ClinVar:

ClinVar aggregate classification (germline): Uncertain significance. Review status: criteria provided, single submitter (1 of 4 stars). 3 submissions from 3 submitters: Uncertain significance (1). 2 of the submissions do not count toward it. Last evaluated 2020-01-29.

Conditions:
Dilated cardiomyopathy 1KK (CMD1KK). Identifiers: Orphanet 154, Orphanet 75249, MedGen C3714995, MONDO:0014100, OMIM 615248.

Submissions (3):

GeneDx
Classification: Uncertain significance. Last evaluated: 2020-01-29. Review status: criteria provided, single submitter. Criteria: GeneDx Variant Classification Process June 2021. Collection method: clinical testing. Allele origin: germline. Affected: yes.
Comment: Not observed in large population cohorts (Lek et al., 2016); In silico analysis, which includes protein predictors and evolutionary conservation, supports a deleterious effect; This variant is associated with the following publications: (PMID: 22892539, 27886618)

ClinVar Staff, National Center for Biotechnology Information (NCBI)
Classification: Uncertain significance for Dilated cardiomyopathy 1KK. Last evaluated: 2013-06-27. Review status: no assertion criteria provided. Collection method: literature only. Allele origin: germline. Affected: yes. Not counted in ClinVar's aggregate classification.

OMIM
Classification: Pathogenic for CARDIOMYOPATHY, DILATED, 1KK. Last evaluated: 2013-03-01. Review status: no assertion criteria provided. Collection method: literature only. Allele origin: germline. Not counted in ClinVar's aggregate classification.

Literature cited by the submitters: PubMed 22892539 (cited by ClinVar Staff, National Center for Biotechnology Information (NCBI) and OMIM).

NM_032578.4(MYPN):c.2882C>T (p.Pro961Leu)

Gene: MYPN (myopalladin; plus strand). Cytogenetic location: 10q21.3.
Variant type: single nucleotide variant.
Coding change: c.2882C>T on transcript NM_032578.4 (MANE Select); coding-DNA position 2882, C replaced by T.
Protein change: p.Pro961Leu; replaces proline 961 with leucine.
Molecular consequence: missense variant. On other transcripts: non-coding transcript variant (2).
Genome position (GRCh38, 1-based): chr10:68,189,083, C>T. VCF-style: chr10-68189083-C-T. GRCh37 (hg19) VCF-style: chr10-69948840-C-T.
Other names: c.2882C>T, p.Pro961Leu (NM_001256267.2); c.2000C>T, p.Pro667Leu (NM_001256268.2); c.2882C>T (LRG_410t1, NM_032578.3); short protein forms P961L, P667L.
Identifiers: ClinVar variation 50512 (VCV000050512.4), dbSNP rs864621995, ClinGen allele CA344703.